The following is an entry in ClinVar:

NM_153605.4(CRYBG3):c.3312C>T (p.Tyr1104=)

Gene: CRYBG3 (crystallin beta-gamma domain containing 3; plus strand). Cytogenetic location: 3q11.2.
Variant type: single nucleotide variant.
Coding change: c.3312C>T on transcript NM_153605.4 (MANE Select); coding-DNA position 3312, C replaced by T.
Protein change: p.Tyr1104=; no amino-acid change (tyrosine 1104 retained).
Molecular consequence: synonymous variant.
Genome position (GRCh38, 1-based): chr3:97,874,506, C>T. VCF-style: chr3-97874506-C-T. GRCh37 (hg19) VCF-style: chr3-97593350-C-T.
Identifiers: ClinVar variation 2653993 (VCV002653993.24), dbSNP rs2530281971, ClinGen allele CA434859161.

ClinVar aggregate classification (germline): Likely benign (1 of 4 stars; one submission).

Submission:

CeGaT Center for Human Genetics Tuebingen
Classification: Likely benign. Last evaluated: 2022-10-01. Review status: criteria provided, single submitter. Criteria: CeGaT Center For Human Genetics Tuebingen Variant Classification Criteria Version 2. Collection method: clinical testing. Allele origin: germline. Affected: yes. Observed: 1 variant allele.
Comment: CRYBG3: PM2:Supporting, BP4, BP7